The following is an entry in ClinVar:

ClinVar aggregate classification (germline): Uncertain significance (1 of 4 stars; one submission).

Allele frequency attached by ClinVar (database versions not stated): gnomAD exomes below 0.00001.
gnomAD v4.1: 1 of 1,596,686 alleles (0.000063%); highest among the groups gnomAD compares: South Asian, 0.0011%; no homozygotes.

Submission:

Ambry Genetics
Classification: Uncertain significance. Last evaluated: 2022-09-26. Review status: criteria provided, single submitter. Criteria: Ambry Variant Classification Scheme 2023. Collection method: clinical testing. Allele origin: germline.
Comment: The p.L257M variant (also known as c.769T>A), located in coding exon 3 of the MYLK2 gene, results from a T to A substitution at nucleotide position 769. The leucine at codon 257 is replaced by methionine, an amino acid with highly similar properties. This amino acid position is conserved. In addition, this alteration is predicted to be tolerated by in silico analysis. Since supporting evidence is limited at this time, the clinical significance of this alteration remains unclear.

NM_033118.4(MYLK2):c.769T>A (p.Leu257Met)

Gene: MYLK2 (myosin light chain kinase 2; plus strand). Cytogenetic location: 20q11.21.
Variant type: single nucleotide variant.
Coding change: c.769T>A on transcript NM_033118.4 (MANE Select); coding-DNA position 769, T replaced by A.
Protein change: p.Leu257Met; replaces leucine 257 with methionine.
Molecular consequence: missense variant.
Genome position (GRCh38, 1-based): chr20:31,821,734, T>A. VCF-style: chr20-31821734-T-A. GRCh37 (hg19) VCF-style: chr20-30409537-T-A.
Other names: short protein forms L257M.
Identifiers: ClinVar variation 1760189 (VCV001760189.2), dbSNP rs2515452674, ClinGen allele CA408526330.